The following is an entry in ClinVar:

NM_001194998.2(CEP152):c.1783_1785delinsC (p.Thr595fs)

Gene: CEP152 (centrosomal protein 152; minus strand). Cytogenetic location: 15q21.1.
Variant type: Indel.
Coding change: c.1783_1785delinsC on transcript NM_001194998.2 (MANE Select); coding-DNA positions 1783 to 1785, ACT replaced by C.
Protein change: p.Thr595fs; shifts the reading frame from threonine 595.
Molecular consequence: frameshift variant.
Genome position (GRCh38, 1-based): chr15:48,769,079-48,769,081, AGT replaced by G on the plus strand (ACT replaced by C on the coding strand, the reverse complement: CEP152 is on the minus strand). VCF-style: chr15-48769079-AGT-G. GRCh37 (hg19) VCF-style: chr15-49061276-AGT-G.
Other names: c.1783_1785delinsC, p.Thr595fs (NM_014985.4); short protein forms T595fs.
Identifiers: ClinVar variation 2117234 (VCV002117234.4), dbSNP rs2504721725, ClinGen allele CA2580089620.

ClinVar aggregate classification (germline): Pathogenic (1 of 4 stars; one submission).

Submission:

Labcorp Genetics (formerly Invitae), Labcorp
Classification: Pathogenic. Last evaluated: 2025-06-23. Review status: criteria provided, single submitter. Criteria: Invitae Variant Classification Sherloc (09022015). Collection method: clinical testing. Allele origin: germline.
Comment: This sequence change creates a premature translational stop signal (p.Thr595Glnfs*15) in the CEP152 gene. It is expected to result in an absent or disrupted protein product. Loss-of-function variants in CEP152 are known to be pathogenic (PMID: 21131973). This variant is not present in population databases (gnomAD no frequency). This variant has not been reported in the literature in individuals affected with CEP152-related conditions. For these reasons, this variant has been classified as Pathogenic.

Literature cited by the submitters: PubMed 21131973.